The following is an entry in ClinVar:

NM_001032386.2(SUOX):c.118C>T (p.Arg40Cys)

Gene: SUOX (sulfite oxidase; plus strand). Cytogenetic location: 12q13.2.
Variant type: single nucleotide variant.
Coding change: c.118C>T on transcript NM_001032386.2 (MANE Select); coding-DNA position 118, C replaced by T.
Protein change: p.Arg40Cys; replaces arginine 40 with cysteine.
Molecular consequence: missense variant.
Genome position (GRCh38, 1-based): chr12:56,002,610, C>T. VCF-style: chr12-56002610-C-T. GRCh37 (hg19) VCF-style: chr12-56396394-C-T.
Other names: c.118C>T, p.Arg40Cys (NM_000456.3, NM_001032387.2); short protein forms R40C.
Identifiers: ClinVar variation 1443544 (VCV001443544.5), dbSNP rs759168970, ClinGen allele CA6620882.

ClinVar aggregate classification (germline): Uncertain significance (1 of 4 stars; one submission).

Conditions:
Sulfite oxidase deficiency. Also called: Isolated sulfite oxidase deficiency. Identifiers: Orphanet 833, Orphanet 99731, MedGen C0268624, MONDO:0010089, OMIM 272300, HP:0003643.

Allele frequency attached by ClinVar (database versions not stated): gnomAD exomes 0.00002 and 0.00006; TOPMed 0.00003; ExAC 0.00004; gnomAD 0.00004.
gnomAD v4.1: 35 of 1,613,962 alleles (0.0022%); highest among the groups gnomAD compares: Admixed American, 0.025%; no homozygotes.

Submission:

Labcorp Genetics (formerly Invitae), Labcorp
Classification: Uncertain significance for Sulfite oxidase deficiency. Last evaluated: 2024-08-13. Review status: criteria provided, single submitter. Criteria: Invitae Variant Classification Sherloc (09022015). Collection method: clinical testing. Allele origin: germline.
Comment: This sequence change replaces arginine, which is basic and polar, with cysteine, which is neutral and slightly polar, at codon 40 of the SUOX protein (p.Arg40Cys). This variant is present in population databases (rs759168970, gnomAD 0.02%). This variant has not been reported in the literature in individuals affected with SUOX-related conditions. ClinVar contains an entry for this variant (Variation ID: 1443544). An algorithm developed to predict the effect of missense changes on protein structure and function outputs the following: PolyPhen-2: "Benign". The cysteine amino acid residue is found in multiple mammalian species, which suggests that this missense change does not adversely affect protein function. In summary, the available evidence is currently insufficient to determine the role of this variant in disease. Therefore, it has been classified as a Variant of Uncertain Significance.